The following is an entry in ClinVar:

NM_020529.3(NFKBIA):c.247A>G (p.Ile83Val)

Gene: NFKBIA (NFKB inhibitor alpha; minus strand). Cytogenetic location: 14q13.2.
Variant type: single nucleotide variant.
Coding change: c.247A>G on transcript NM_020529.3 (MANE Select); coding-DNA position 247, A replaced by G.
Protein change: p.Ile83Val; replaces isoleucine 83 with valine.
Molecular consequence: missense variant.
Genome position (GRCh38, 1-based): chr14:35,403,779, T>C on the plus strand (A>G on the coding strand, the complement: NFKBIA is on the minus strand). VCF-style: chr14-35403779-T-C. GRCh37 (hg19) VCF-style: chr14-35872985-T-C.
Other names: short protein forms I83V.
Identifiers: ClinVar variation 1003140 (VCV001003140.11), dbSNP rs1165420329, ClinGen allele CA389454572.

ClinVar aggregate classification (germline): Uncertain significance (1 of 4 stars; one submission).

Conditions:
Ectodermal dysplasia and immunodeficiency 2. Identifiers: Orphanet 238468, Orphanet 98813, MedGen C2677481, MONDO:0012806, OMIM 612132.

Allele frequency attached by ClinVar (database versions not stated): gnomAD exomes below 0.00001.
gnomAD v4.1: 5 of 1,613,706 alleles (0.00031%); highest among the groups gnomAD compares: Non-Finnish European, 0.00042%; no homozygotes.

Submission:

Labcorp Genetics (formerly Invitae), Labcorp
Classification: Uncertain significance for Ectodermal dysplasia and immunodeficiency 2. Last evaluated: 2025-09-06. Review status: criteria provided, single submitter. Criteria: Invitae Variant Classification Sherloc (09022015). Collection method: clinical testing. Allele origin: germline.
Comment: This sequence change replaces isoleucine, which is neutral and non-polar, with valine, which is neutral and non-polar, at codon 83 of the NFKBIA protein (p.Ile83Val). This variant is present in population databases (no rsID available, gnomAD 0.0009%). This variant has not been reported in the literature in individuals affected with NFKBIA-related conditions. ClinVar contains an entry for this variant (Variation ID: 1003140). An algorithm developed to predict the effect of missense changes on protein structure and function (PolyPhen-2) suggests that this variant is likely to be tolerated. In summary, the available evidence is currently insufficient to determine the role of this variant in disease. Therefore, it has been classified as a Variant of Uncertain Significance.